The following is an entry in ClinVar:

NM_000077.5(CDKN2A):c.1A>T (p.Met1Leu)

Genes: CDKN2A (cyclin dependent kinase inhibitor 2A; minus strand), LOC130001603 (ATAC-STARR-seq lymphoblastoid silent region 19811; plus strand). Cytogenetic location: 9p21.3.
Variant type: single nucleotide variant.
Coding change: c.1A>T on transcript NM_000077.5; coding-DNA position 1, A replaced by T.
Protein change: p.Met1Leu; changes the start codon (methionine 1).
Molecular consequence: missense variant (on NM_000077.6). On other transcripts: initiator codon variant (2), intron variant (2).
Genome position (GRCh38, 1-based): chr9:21,974,827, T>A on the plus strand (A>T on the coding strand, the complement: CDKN2A is on the minus strand). VCF-style: chr9-21974827-T-A. GRCh37 (hg19) VCF-style: chr9-21974826-T-A.
Other names: c.1A>T, p.Met1Leu (NM_000077.6, NM_001195132.2, NM_058197.5); c.-3-3619A>T (NM_001363763.2); c.194-3619A>T (NM_058195.4); short protein forms M1L.
Identifiers: ClinVar variation 1475625 (VCV001475625.8), dbSNP rs1587340603, ClinGen allele CA373086746.
Genomic context (GRCh38, chr9:21,974,827, plus strand): 5'-CCGCGGCCGTGGCCAGCCAGTCAGCCGAAGGCTCCATGCTGCTCCCCGCCGCCGGCTCCA[T>A]GCTGCTCCCCGCCGCCCGCTGCCTGCTCTCCCCCTCTCCGCAGCCGCCGAGCGCACGCGG-3'
Protein context (NP_000068.1, residues 1-11): [Met1Leu]EPAAGSSMEP

ClinVar aggregate classification (germline): Uncertain significance (1 of 4 stars; one submission).

Conditions:
Familial melanoma. Also called: Hereditary melanoma; Hereditary cutaneous melanoma. Identifiers: Orphanet 618, MedGen C1512419, MONDO:0018961.

Submission:

Labcorp Genetics (formerly Invitae), Labcorp
Classification: Uncertain significance for Familial melanoma. Last evaluated: 2020-12-23. Review status: criteria provided, single submitter. Criteria: Invitae Variant Classification Sherloc (09022015). Collection method: clinical testing. Allele origin: germline.
Comment: In the presence of a closely spaced alternative ATG at codon 9, surrounded by the identical sequences to the initiator codon, translation initiation could be potentially rescued. Therefore, it is uncertain whether or not this variant affects the CDKN2A (p16INK4a) protein function. In summary, the available evidence is currently insufficient to determine the role of this variant in disease. Therefore, it has been classified as a Variant of Uncertain Significance. This variant has not been reported in the literature in individuals with CDKN2A (p16INK4a)-related conditions. This variant is not present in population databases (ExAC no frequency). This sequence change affects the initiator methionine of the CDKN2A (p16INK4a) mRNA. The next in-frame methionine is located at codon 9.